The following is an entry in ClinVar:

NM_003001.5(SDHC):c.14T>G (p.Leu5Trp)

Gene: SDHC (succinate dehydrogenase complex subunit C; plus strand). Cytogenetic location: 1q23.3.
Variant type: single nucleotide variant.
Coding change: c.14T>G on transcript NM_003001.5 (MANE Select); coding-DNA position 14, T replaced by G.
Protein change: p.Leu5Trp; replaces leucine 5 with tryptophan.
Molecular consequence: missense variant. On other transcripts: 5 prime UTR variant (2), non-coding transcript variant (1).
Genome position (GRCh38, 1-based): chr1:161,314,419, T>G. VCF-style: chr1-161314419-T-G. GRCh37 (hg19) VCF-style: chr1-161284209-T-G.
Other names: c.14T>G, p.Leu5Trp (NM_001035511.3, NM_001035512.3, NM_001035513.3 and 6 more transcripts); c.-547T>G (NM_001407119.1); c.-216T>G (NM_001407120.1); short protein forms L5W.
Identifiers: ClinVar variation 4864283 (VCV004864283.1).

ClinVar aggregate classification (germline): Uncertain significance (1 of 4 stars; one submission).

Conditions:
Hereditary cancer-predisposing syndrome. Also called: Neoplastic Syndromes, Hereditary; Tumor predisposition; Hereditary Cancer Syndrome; Hereditary neoplastic syndrome. Identifiers: Orphanet 140162, MedGen C0027672, MeSH D009386, MONDO:0015356.

Submission:

Ambry Genetics
Classification: Uncertain significance for Hereditary cancer-predisposing syndrome. Last evaluated: 2026-06-10. Review status: criteria provided, single submitter. Criteria: Ambry Variant Classification Scheme 2023. Collection method: clinical testing. Allele origin: germline.
Comment: The p.L5W variant (also known as c.14T>G), located in coding exon 1 of the SDHC gene, results from a T to G substitution at nucleotide position 14. The leucine at codon 5 is replaced by tryptophan, an amino acid with similar properties. This amino acid position is conserved. In addition, this alteration is predicted to be deleterious by in silico analysis. Based on the available evidence, the clinical significance of this variant remains unclear.